The following is an entry in ClinVar:

ClinVar aggregate classification (germline): Pathogenic (1 of 4 stars; one submission).

Submission:

Labcorp Genetics (formerly Invitae), Labcorp
Classification: Pathogenic. Last evaluated: 2025-01-13. Review status: criteria provided, single submitter. Criteria: Invitae Variant Classification Sherloc (09022015). Collection method: clinical testing. Allele origin: germline.
Comment: This sequence change creates a premature translational stop signal (p.Lys229Glufs*14) in the KMT2E gene. It is expected to result in an absent or disrupted protein product. Loss-of-function variants in KMT2E are known to be pathogenic (PMID: 31079897). This variant is not present in population databases (gnomAD no frequency). This variant has not been reported in the literature in individuals affected with KMT2E-related conditions. For these reasons, this variant has been classified as Pathogenic.

Literature cited by the submitters: PubMed 31079897.

NM_182931.3(KMT2E):c.684dup (p.Lys229fs)

Gene: KMT2E (lysine methyltransferase 2E (inactive); plus strand). Cytogenetic location: 7q22.3.
Variant type: Duplication.
Coding change: c.684dup on transcript NM_182931.3 (MANE Select); coding-DNA position 684, one base duplicated (G; older notation c.684dupG).
Protein change: p.Lys229fs; shifts the reading frame from lysine 229.
Molecular consequence: frameshift variant.
Genome position (GRCh38, 1-based): chr7:105,074,770, G duplicated; the last of 2 consecutive G bases (chr7:105,074,769-105,074,770); duplicating either gives the same sequence. VCF-style (leftmost placement, unchanged base first): chr7-105074768-A-AG. GRCh37 (hg19) VCF-style: chr7-104715215-A-AG.
Other names: c.684dup, p.Lys229fs (NM_001410908.1, NM_018682.4); short protein forms K229fs.
Identifiers: ClinVar variation 3659518 (VCV003659518.2).